The following is an entry in ClinVar:

NM_001048166.1(STIL):c.3010A>G (p.Arg1004Gly)

Gene: STIL (STIL centriolar assembly protein; minus strand). Cytogenetic location: 1p33.
Variant type: single nucleotide variant.
Coding change: c.3010A>G on transcript NM_001048166.1 (MANE Select); coding-DNA position 3010, A replaced by G.
Protein change: p.Arg1004Gly; replaces arginine 1004 with glycine.
Molecular consequence: missense variant.
Genome position (GRCh38, 1-based): chr1:47,260,359, T>C on the plus strand (A>G on the coding strand, the complement: STIL is on the minus strand). VCF-style: chr1-47260359-T-C. GRCh37 (hg19) VCF-style: chr1-47726031-T-C.
Other names: c.3007A>G, p.Arg1003Gly (NM_001282936.1, NM_003035.2); c.2956A>G, p.Arg986Gly (NM_001282937.1); c.2869A>G, p.Arg957Gly (NM_001282938.1); c.2815A>G, p.Arg939Gly (NM_001282939.1); short protein forms R1003G, R1004G, R939G, R957G, R986G.
Identifiers: ClinVar variation 225107 (VCV000225107.7), dbSNP rs370465985, ClinGen allele CA358040.

ClinVar aggregate classification (germline): Uncertain significance. Review status: criteria provided, multiple submitters, no conflicts (2 of 4 stars). 2 submissions from 2 submitters: Uncertain significance (2). Last evaluated 2023-03-28.

Conditions:
Inborn genetic diseases. Identifiers: MedGen C0950123, MeSH D030342.

Allele frequency attached by ClinVar (database versions not stated): ExAC 0.00002; gnomAD exomes 0.00002 and 0.00010; gnomAD 0.00003; TOPMed 0.00003; ESP Exome Variant Server 0.00008.
gnomAD v4.1: 145 of 1,614,084 alleles (0.009%); highest among the groups gnomAD compares: Non-Finnish European, 0.012%; no homozygotes.

Submissions (2):

GeneDx
Classification: Uncertain significance. Last evaluated: 2023-03-28. Review status: criteria provided, single submitter. Criteria: GeneDx Variant Classification Process June 2021. Collection method: clinical testing. Allele origin: germline. Affected: yes.
Comment: Not observed at significant frequency in large population cohorts (gnomAD); In silico analysis supports that this missense variant has a deleterious effect on protein structure/function; Has not been previously published as pathogenic or benign to our knowledge; This variant is associated with the following publications: (PMID: 31589614)

Ambry Genetics
Classification: Uncertain significance for Inborn genetic diseases. Last evaluated: 2018-03-15. Review status: criteria provided, single submitter. Criteria: Ambry Variant Classification Scheme 2023. Collection method: clinical testing. Allele origin: germline.
Comment: The p.R1003G variant (also known as c.3007A>G), located in coding exon 15 of the STIL gene, results from an A to G substitution at nucleotide position 3007. The arginine at codon 1003 is replaced by glycine, an amino acid with dissimilar properties. This amino acid position is highly conserved in available vertebrate species. In addition, the in silico prediction for this alteration is inconclusive. Since supporting evidence is limited at this time, the clinical significance of this alteration remains unclear.